The following is an entry in ClinVar:

ClinVar aggregate classification (germline): Benign/Likely benign. Review status: criteria provided, multiple submitters, no conflicts (2 of 4 stars). 3 submissions from 3 submitters: Benign (1); Likely benign (2). Last evaluated 2024-11-26.

Conditions:
SFTPB-related disorder. Also called: SFTPB-related condition.

gnomAD v4.1: 89 of 1,584,250 alleles (0.0056%); highest among the groups gnomAD compares: South Asian, 0.077%; 1 homozygote.

Submissions (3):

PreventionGenetics, part of Exact Sciences
Classification: Likely benign for SFTPB-related condition. Last evaluated: 2024-11-26. Review status: criteria provided, single submitter. Criteria: ACMG Guidelines, 2015. Collection method: clinical testing. Allele origin: germline.
Comment: This variant is classified as likely benign based on ACMG/AMP sequence variant interpretation guidelines (Richards et al. 2015 PMID: 25741868, with internal and published modifications).

Labcorp Genetics (formerly Invitae), Labcorp
Classification: Benign. Last evaluated: 2024-08-22. Review status: criteria provided, single submitter. Criteria: Invitae Variant Classification Sherloc (09022015). Collection method: clinical testing. Allele origin: germline.

Blueprint Genetics
Classification: Likely benign. Last evaluated: 2020-05-18. Review status: criteria provided, single submitter. Criteria: ACMG Guidelines, 2015. Collection method: clinical testing. Allele origin: germline.

NM_000542.5(SFTPB):c.678G>A (p.Ala226=)

Gene: SFTPB (surfactant protein B; minus strand). Cytogenetic location: 2p11.2.
Variant type: single nucleotide variant.
Coding change: c.678G>A on transcript NM_000542.5 (MANE Select); coding-DNA position 678, G replaced by A.
Protein change: p.Ala226=; no amino-acid change (alanine 226 retained).
Molecular consequence: synonymous variant.
Genome position (GRCh38, 1-based): chr2:85,663,842, C>T on the plus strand (G>A on the coding strand, the complement: SFTPB is on the minus strand). VCF-style: chr2-85663842-C-T. GRCh37 (hg19) VCF-style: chr2-85890965-C-T.
Other names: c.678G>A, p.Ala226= (NM_001367281.2, NM_198843.4); c.714G>A (NM_198843.2).
Identifiers: ClinVar variation 3611724 (VCV003611724.4).
Genomic context (GRCh38, chr2:85,663,842, plus strand): 5'-GCAGATGCCGCCCGCCACCAGAGGTACCACGCGGCACACCTGGGCCACTGCCACAGCTAG[C>T]GCACCCTGGGGCGGGGGCGGAGAGAGGCCAGCATGGGACCTTCACTTGGCAAGCCTCCAC-3'
Protein context (NP_000533.4, residues 216-236): KRIQAMIPKG[Ala226=]LAVAVAQVCR